The following is an entry in ClinVar:

NM_000181.4(GUSB):c.1120C>T (p.Arg374Cys)

Gene: GUSB (glucuronidase beta; minus strand). Cytogenetic location: 7q11.21.
Variant type: single nucleotide variant.
Coding change: c.1120C>T on transcript NM_000181.4 (MANE Select); coding-DNA position 1120, C replaced by T.
Protein change: p.Arg374Cys; replaces arginine 374 with cysteine.
Molecular consequence: missense variant. On other transcripts: non-coding transcript variant (1).
Genome position (GRCh38, 1-based): chr7:65,974,650, G>A on the plus strand (C>T on the coding strand, the complement: GUSB is on the minus strand). VCF-style: chr7-65974650-G-A. GRCh37 (hg19) VCF-style: chr7-65439637-G-A.
Other names: c.682C>T, p.Arg228Cys (NM_001284290.2); c.550C>T, p.Arg184Cys (NM_001293104.2); c.463C>T, p.Arg155Cys (NM_001293105.2); short protein forms R155C, R184C, R228C, R374C.
Identifiers: ClinVar variation 3356466 (VCV003356466.3).
Genomic context (GRCh38, chr7:65,974,650, plus strand): 5'-GCATCACTTCCTCTGCATAGGGGTAGTGGCTGGTACGGAAAGCGTTGGCACCAAGCCAGC[G>A]AAGCAGGTTGAAGTCCTTCACCAGCAGCGGCCAGTCGAAGCCCTTCCCTCGGATCTAGGA-3'
Protein context (NP_000172.2, residues 364-384): PLLVKDFNLL[Arg374Cys]WLGANAFRTS

ClinVar aggregate classification (germline): Conflicting classifications of pathogenicity. Review status: criteria provided, conflicting classifications (1 of 4 stars). 2 submissions from 2 submitters: Likely pathogenic (1); Uncertain significance (1). Last evaluated 2026-05-27.

Conditions:
Mucopolysaccharidosis type 7 (MPS7). Also called: MPS VII; BETA-GLUCURONIDASE DEFICIENCY; GUSB DEFICIENCY; SLY SYNDROME. Identifiers: Orphanet 584, MedGen C0085132, MONDO:0009662, OMIM 253220.
GUSB-related disorder. Also called: GUSB-related condition.

gnomAD v4.1: 10 of 1,613,788 alleles (0.00062%); highest among the groups gnomAD compares: African/African-American, 0.0013%; no homozygotes.

Submissions (2):

PreventionGenetics, part of Exact Sciences
Classification: Uncertain significance for GUSB-related condition. Last evaluated: 2026-05-27. Review status: criteria provided, single submitter. Criteria: ACMG Guidelines, 2015. Collection method: clinical testing. Allele origin: germline.
Comment: The GUSB c.1120C>T variant is predicted to result in the amino acid substitution p.Arg374Cys. This variant has been reported in an individual with mucopolysaccharidosis VII and the mother of fetus (Vervoort et al. 1996. PubMed ID: 8644704; Kadhim et al. 2017. PubMed ID: 28770119). However fetal DNA was not tested (Kadhim et al. 2017. PubMed ID: 28770119). This variant is reported in 0.0018% of alleles in individuals of European (Non-Finnish) descent in gnomAD, indicating that it is rare. Although we suspect that this variant may be pathogenic, at this time, the clinical significance is uncertain due to the absence of conclusive functional and genetic evidence.

Women's Health and Genetics/Laboratory Corporation of America, LabCorp
Classification: Likely pathogenic for Mucopolysaccharidosis type 7. Last evaluated: 2024-12-18. Review status: criteria provided, single submitter. Criteria: LabCorp Variant Classification Summary - May 2015. Collection method: clinical testing. Allele origin: germline.
Comment: Variant summary: GUSB c.1120C>T (p.Arg374Cys) results in a non-conservative amino acid change located in the glycosyl hydrolases family 2, TIM barrel domain (IPR006103) of the encoded protein sequence. Four of five in-silico tools predict a damaging effect of the variant on protein function. The variant allele was found at a frequency of 8e-06 in 251416 control chromosomes. c.1120C>T has been reported in the literature in individuals affected with mucopolysaccharidosis Type VII (Sly Syndrome; examples: Vervoort_1996, Young_2011, Vervoort_1997). In vitro functional studies show reduced activity for the variant (Vervoort_1996). The following publications have been ascertained in the context of this evaluation (PMID: 8644704, 21743015, 9099834, 28770119). ClinVar contains an entry for this variant (Variation ID: 3356466). Based on the evidence outlined above, the variant was classified as likely pathogenic.

Literature cited by the submitters: PubMed 8644704 (cited by Women's Health and Genetics/Laboratory Corporation of America, LabCorp); PubMed 9099834 (cited by Women's Health and Genetics/Laboratory Corporation of America, LabCorp); PubMed 28770119 (cited by Women's Health and Genetics/Laboratory Corporation of America, LabCorp); PubMed 21743015 (cited by Women's Health and Genetics/Laboratory Corporation of America, LabCorp).